The following is an entry in ClinVar:

NM_015599.3(PGM3):c.-2-176G>T

Gene: PGM3 (phosphoglucomutase 3; minus strand). Cytogenetic location: 6q14.1.
Variant type: single nucleotide variant.
Coding change: c.-2-176G>T on transcript NM_015599.3 (MANE Select); 176 bases into the intron before 2 bases upstream of the start codon, G replaced by T.
Molecular consequence: intron variant. On other transcripts: missense variant (2).
Genome position (GRCh38, 1-based): chr6:83,191,190, C>A on the plus strand (G>T on the coding strand, the complement: PGM3 is on the minus strand). VCF-style: chr6-83191190-C-A. GRCh37 (hg19) VCF-style: chr6-83900909-C-A.
Other names: c.79G>T, p.Val27Leu (NM_001199917.2, NM_001367287.1); c.-40+1989G>T (NM_001199918.2); c.-2-176G>T (NM_001367286.1, NM_001199919.2); short protein forms V27L.
Identifiers: ClinVar variation 1367634 (VCV001367634.3), dbSNP rs776399870, ClinGen allele CA364854373.
Genomic context (GRCh38, chr6:83,191,190, plus strand): 5'-AACCCTATGTTTGACAGAGCAATGGGCAGGAGAGTAAGTCCTGTGGGTTAGAATTACCTA[C>A]AAGATGTTGTCCAACTTGGTATGTCCACTCCTGGGCAGACTCAGGGCAGATAGCAGATTG-3'

ClinVar aggregate classification (germline): Uncertain significance (1 of 4 stars; one submission).

Conditions:
Immunodeficiency 23 (IMD23). Also called: IMMUNODEFICIENCY WITH HYPER IgE AND COGNITIVE IMPAIRMENT; IMMUNODEFICIENCY-VASCULITIS-MYOCLONUS SYNDROME. Identifiers: Orphanet 443811, MedGen C4014371, MONDO:0014353, OMIM 615816.

Allele frequency attached by ClinVar (database versions not stated): gnomAD exomes below 0.00001; TOPMed 0.00001.
gnomAD v4.1: 1 of 1,533,246 alleles (0.000065%); highest among the groups gnomAD compares: East Asian, 0.0024%; no homozygotes.

Submission:

Labcorp Genetics (formerly Invitae), Labcorp
Classification: Uncertain significance for Immunodeficiency 23. Last evaluated: 2022-10-04. Review status: criteria provided, single submitter. Criteria: Invitae Variant Classification Sherloc (09022015). Collection method: clinical testing. Allele origin: germline.
Comment: This sequence change replaces valine, which is neutral and non-polar, with leucine, which is neutral and non-polar, at codon 27 of the PGM3 protein (p.Val27Leu). This variant is not present in population databases (gnomAD no frequency). This variant has not been reported in the literature in individuals affected with PGM3-related conditions. ClinVar contains an entry for this variant (Variation ID: 1367634). Algorithms developed to predict the effect of missense changes on protein structure and function output the following: SIFT: "Tolerated"; PolyPhen-2: "Benign"; Align-GVGD: "Class C0". The leucine amino acid residue is found in multiple mammalian species, which suggests that this missense change does not adversely affect protein function. Algorithms developed to predict the effect of sequence changes on RNA splicing suggest that this variant may disrupt the consensus splice site. In summary, the available evidence is currently insufficient to determine the role of this variant in disease. Therefore, it has been classified as a Variant of Uncertain Significance.